The following is an entry in ClinVar:

ClinVar aggregate classification (germline): Likely benign. Review status: criteria provided, multiple submitters, no conflicts (2 of 4 stars). 2 submissions from 2 submitters: Likely benign (2). Last evaluated 2024-05-16.

Conditions:
Familial cancer of breast. Also called: Hereditary breast cancer; BREAST CANCER, FAMILIAL; hereditary breast carcinoma. Identifiers: Orphanet 227535, MedGen C0346153, MONDO:0016419, OMIM 114480. Disease mechanism: loss of function.
Ataxia-telangiectasia syndrome (AT). Also called: LOUIS-BAR SYNDROME; Ataxia telangiectasia (A-T); Cerebello-oculocutaneous telangiectasia; Immunodeficiency with ataxia telangiectasia; Ataxia-telangiectasia; Ataxia-telangiectasia, complementation group D. Identifiers: Orphanet 100, MedGen C0004135, MONDO:0008840, OMIM 208900.

Submissions (2):

Myriad Genetics, Inc.
Classification: Likely benign for Familial cancer of breast. Last evaluated: 2024-05-16. Review status: criteria provided, single submitter. Criteria: Myriad Autosomal Dominant, Autosomal Recessive and X-Linked Classification Criteria (2023). Collection method: clinical testing. Allele origin: unknown.
Comment: This variant is considered likely benign. This variant is intronic and is not expected to impact mRNA splicing.

Labcorp Genetics (formerly Invitae), Labcorp
Classification: Likely benign for Ataxia-telangiectasia syndrome. Last evaluated: 2023-08-14. Review status: criteria provided, single submitter. Criteria: Invitae Variant Classification Sherloc (09022015). Collection method: clinical testing. Allele origin: germline.

NM_000051.4(ATM):c.4109+7A>G

Gene: ATM (ATM serine/threonine kinase; plus strand). Cytogenetic location: 11q22.3.
Variant type: single nucleotide variant.
Coding change: c.4109+7A>G on transcript NM_000051.4 (MANE Select); 7 bases into the intron after coding-DNA position 4109, A replaced by G.
Molecular consequence: intron variant.
Genome position (GRCh38, 1-based): chr11:108,287,722, A>G. VCF-style: chr11-108287722-A-G. GRCh37 (hg19) VCF-style: chr11-108158449-A-G.
Other names: c.4109+7A>G (NM_001351834.2).
Identifiers: ClinVar variation 1143160 (VCV001143160.10), dbSNP rs2135738309, ClinGen allele CA2499220630.
Genomic context (GRCh38, chr11:108,287,722, plus strand): 5'-TGAGCCAGCAAATTCTAGTGCCAGTCAGAGCACTGACCTCTGTGACTTTTCAGGGTATGT[A>G]CATTTTAAACTTAGAGAACTAGCTCTAACTTCACAAGTTTTTAAAGAAGTTTATTGGTTG-3'